The following is an entry in ClinVar:

NM_015267.4(CUX2):c.3808C>T (p.Pro1270Ser)

Gene: CUX2 (cut like homeobox 2; plus strand). Cytogenetic location: 12q24.12.
Variant type: single nucleotide variant.
Coding change: c.3808C>T on transcript NM_015267.4 (MANE Select); coding-DNA position 3808, C replaced by T.
Protein change: p.Pro1270Ser; replaces proline 1270 with serine.
Molecular consequence: missense variant.
Genome position (GRCh38, 1-based): chr12:111,347,672, C>T. VCF-style: chr12-111347672-C-T. GRCh37 (hg19) VCF-style: chr12-111785476-C-T.
Other names: c.3622C>T, p.Pro1208Ser (NM_001370598.1); short protein forms P1208S, P1270S.
Identifiers: ClinVar variation 5040729 (VCV005040729.1).

ClinVar aggregate classification (germline): Likely benign (1 of 4 stars; one submission).

gnomAD v4.1: 5 of 1,613,362 alleles (0.00031%); highest among the groups gnomAD compares: Admixed American, 0.0067%; no homozygotes.

Submission:

CeGaT Center for Human Genetics Tuebingen
Classification: Likely benign. Last evaluated: 2026-08-01. Review status: criteria provided, single submitter. Criteria: CeGaT Center For Human Genetics Tuebingen Variant Classification Criteria Version 2. Collection method: clinical testing. Allele origin: germline. Affected: yes. Observed: 1 variant allele.
Comment: CUX2: BP4